The following is an entry in ClinVar:

NM_016292.3(TRAP1):c.1795-16C>A

Genes: DNASE1 (deoxyribonuclease 1; plus strand), TRAP1 (TNF receptor associated protein 1; minus strand). Cytogenetic location: 16p13.3.
Variant type: single nucleotide variant.
Coding change: c.1795-16C>A on transcript NM_016292.3 (MANE Select); 16 bases into the intron before coding-DNA position 1795, C replaced by A.
Molecular consequence: intron variant.
Genome position (GRCh38, 1-based): chr16:3,662,148, G>T on the plus strand (C>A on the coding strand, the complement: TRAP1 is on the minus strand). VCF-style: chr16-3662148-G-T. GRCh37 (hg19) VCF-style: chr16-3712149-G-T.
Other names: c.*22-498G>T (NM_001387140.1); c.1636-16C>A (NM_001272049.2).
Identifiers: ClinVar variation 1503514 (VCV001503514.6), dbSNP rs748143602, ClinGen allele CA276977394.

ClinVar aggregate classification (germline): Uncertain significance (1 of 4 stars; one submission).

gnomAD v4.1: 9 of 1,605,994 alleles (0.00056%); highest among the groups gnomAD compares: Non-Finnish European, 0.00077%; no homozygotes.

Submission:

Labcorp Genetics (formerly Invitae), Labcorp
Classification: Uncertain significance. Last evaluated: 2021-10-08. Review status: criteria provided, single submitter. Criteria: Invitae Variant Classification Sherloc (09022015). Collection method: clinical testing. Allele origin: germline.
Comment: This variant has not been reported in the literature in individuals affected with TRAP1-related conditions. In summary, the available evidence is currently insufficient to determine the role of this variant in disease. Therefore, it has been classified as a Variant of Uncertain Significance. Algorithms developed to predict the effect of sequence changes on RNA splicing suggest that this variant may create or strengthen a splice site. This variant is not present in population databases (ExAC no frequency). This sequence change falls in intron 15 of the TRAP1 gene. It does not directly change the encoded amino acid sequence of the TRAP1 protein.